The following is an entry in ClinVar:

NM_001291867.2(NHS):c.725G>A (p.Arg242Gln)

Gene: NHS (NHS actin remodeling regulator; plus strand). Cytogenetic location: Xp22.13.
Variant type: single nucleotide variant.
Coding change: c.725G>A on transcript NM_001291867.2 (MANE Select); coding-DNA position 725, G replaced by A.
Protein change: p.Arg242Gln; replaces arginine 242 with glutamine.
Molecular consequence: missense variant.
Genome position (GRCh38, 1-based): chrX:17,692,341, G>A. VCF-style: chrX-17692341-G-A. GRCh37 (hg19) VCF-style: chrX-17710461-G-A.
Other names: c.194G>A, p.Arg65Gln (NM_001136024.4, NM_001291868.2); c.725G>A, p.Arg242Gln (NM_198270.4); short protein forms R65Q, R242Q.
Identifiers: ClinVar variation 3717558 (VCV003717558.3).

ClinVar aggregate classification (germline): Uncertain significance (1 of 4 stars; one submission).

Conditions:
Nance-Horan syndrome (NHS). Identifiers: Orphanet 627, MedGen C0796085, MONDO:0010545, OMIM 302350.

gnomAD v4.1: 11 of 1,207,544 alleles (0.00091%); highest among the groups gnomAD compares: South Asian, 0.011%; no homozygotes.

Submissions (3):

Labcorp Genetics (formerly Invitae), Labcorp
Classification: Uncertain significance for Nance-Horan syndrome. Last evaluated: 2024-04-29. Review status: criteria provided, single submitter. Criteria: Invitae Variant Classification Sherloc (09022015). Collection method: clinical testing. Allele origin: germline.
Comment: This sequence change replaces arginine, which is basic and polar, with glutamine, which is neutral and polar, at codon 242 of the NHS protein (p.Arg242Gln). This variant is present in population databases (no rsID available, gnomAD 0.005%), including at least one homozygous and/or hemizygous individual. This variant has not been reported in the literature in individuals affected with NHS-related conditions. Advanced modeling of protein sequence and biophysical properties (such as structural, functional, and spatial information, amino acid conservation, physicochemical variation, residue mobility, and thermodynamic stability) performed at Invitae indicates that this missense variant is not expected to disrupt NHS protein function with a negative predictive value of 80%. In summary, the available evidence is currently insufficient to determine the role of this variant in disease. Therefore, it has been classified as a Variant of Uncertain Significance.

Dr. Peter K. Rogan Lab, Western University
No classification provided (evidence only). Condition: Thyroid cancer, nonmedullary, 1. Review status: no classification provided. Collection method: in vitro. Allele origin: not applicable. Functional consequence: retained intron. Not counted in ClinVar's aggregate classification.

Dr. Peter K. Rogan Lab, Western University
No classification provided (evidence only). Condition: Thyroid cancer, nonmedullary, 1. Review status: no classification provided. Collection method: in vitro. Allele origin: not applicable. Functional consequence: retained intron. Not counted in ClinVar's aggregate classification.